The following is an entry in ClinVar:

NM_002029.4(FPR1):c.301G>A (p.Val101Ile)

Gene: FPR1 (formyl peptide receptor 1; minus strand). Cytogenetic location: 19q13.41.
Variant type: single nucleotide variant.
Coding change: c.301G>A on transcript NM_002029.4 (MANE Select); coding-DNA position 301, G replaced by A.
Protein change: p.Val101Ile; replaces valine 101 with isoleucine.
Molecular consequence: missense variant.
Genome position (GRCh38, 1-based): chr19:51,746,694, C>T on the plus strand (G>A on the coding strand, the complement: FPR1 is on the minus strand). VCF-style: chr19-51746694-C-T. GRCh37 (hg19) VCF-style: chr19-52249947-C-T.
Other names: c.301G>A, p.Val101Ile (NM_001193306.2); short protein forms V101I.
Identifiers: ClinVar variation 1523521 (VCV001523521.6), dbSNP rs2070745, ClinGen allele CA9616490.

ClinVar aggregate classification (germline): Uncertain significance (1 of 4 stars; one submission).

Conditions:
Gingival disorder. Also called: Gingival disease. Identifiers: MedGen C0017563, MONDO:0002021.

Submission:

Labcorp Genetics (formerly Invitae), Labcorp
Classification: Uncertain significance for Gingival disorder. Last evaluated: 2025-12-03. Review status: criteria provided, single submitter. Criteria: Invitae Variant Classification Sherloc (09022015). Collection method: clinical testing. Allele origin: germline.
Comment: This sequence change replaces valine, which is neutral and non-polar, with isoleucine, which is neutral and non-polar, at codon 101 of the FPR1 protein (p.Val101Ile). This variant is present in population databases (rs2070745, gnomAD 0.007%). This variant has not been reported in the literature in individuals affected with FPR1-related conditions. ClinVar contains an entry for this variant (Variation ID: 1523521). An algorithm developed to predict the effect of missense changes on protein structure and function outputs the following: PolyPhen-2: "Benign". The isoleucine amino acid residue is found in multiple mammalian species, which suggests that this missense change does not adversely affect protein function. In summary, the available evidence is currently insufficient to determine the role of this variant in disease. Therefore, it has been classified as a Variant of Uncertain Significance.